The following is an entry in ClinVar:

NM_001267550.2(TTN):c.88836C>G (p.Asn29612Lys)

Genes: TTN (titin; minus strand), TTN-AS1 (TTN antisense RNA 1; plus strand). Cytogenetic location: 2q31.2.
Variant type: single nucleotide variant.
Coding change: c.88836C>G on transcript NM_001267550.2 (MANE Select); coding-DNA position 88836, C replaced by G.
Protein change: p.Asn29612Lys; replaces asparagine 29612 with lysine.
Molecular consequence: missense variant.
Genome position (GRCh38, 1-based): chr2:178,554,511, G>C on the plus strand (C>G on the coding strand, the complement: TTN is on the minus strand). VCF-style: chr2-178554511-G-C. GRCh37 (hg19) VCF-style: chr2-179419238-G-C.
Other names: c.83913C>G, p.Asn27971Lys (NM_001256850.1); c.61641C>G, p.Asn20547Lys (NM_003319.4); c.81132C>G, p.Asn27044Lys (NM_133378.4); c.62016C>G, p.Asn20672Lys (NM_133432.3); c.62217C>G, p.Asn20739Lys (NM_133437.4); short protein forms N20547K, N20672K, N20739K, N27044K, N27971K, N29612K.
Identifiers: ClinVar variation 4074315 (VCV004074315.1).

ClinVar aggregate classification (germline): Uncertain significance (1 of 4 stars; one submission).

Submission:

GeneDx
Classification: Uncertain significance. Last evaluated: 2025-02-09. Review status: criteria provided, single submitter. Criteria: GeneDx Variant Classification Process June 2021. Collection method: clinical testing. Allele origin: germline. Affected: yes.
Comment: Not observed at significant frequency in large population cohorts (gnomAD); Missense variant in a gene in which most reported pathogenic variants are truncating/loss of function; Has not been previously published as pathogenic or benign to our knowledge